The following is an entry in ClinVar:

NM_007294.4(BRCA1):c.4929A>T (p.Thr1643=)

Gene: BRCA1 (BRCA1 DNA repair associated; minus strand). Cytogenetic location: 17q21.31.
Variant type: single nucleotide variant.
Coding change: c.4929A>T on transcript NM_007294.4 (MANE Select); coding-DNA position 4929, A replaced by T.
Protein change: p.Thr1643=; no amino-acid change (threonine 1643 retained).
Molecular consequence: synonymous variant. On other transcripts: intron variant (1).
Genome position (GRCh38, 1-based): chr17:43,070,985, T>A on the plus strand (A>T on the coding strand, the complement: BRCA1 is on the minus strand). VCF-style: chr17-43070985-T-A. GRCh37 (hg19) VCF-style: chr17-41223002-T-A.
Other names: c.4716A>T, p.Thr1572= (NM_001407571.1, NM_001407894.1, NM_001407895.1 and 12 more transcripts); c.4995A>T, p.Thr1665= (NM_001407581.1, NM_001407582.1); c.4992A>T, p.Thr1664= (NM_001407583.1, NM_001407585.1, NM_001407587.1 and 1 more transcripts); c.4989A>T, p.Thr1663= (NM_001407590.1, NM_001407591.1); c.4929A>T, p.Thr1643= (NM_001407593.1, NM_001407594.1, NM_001407596.1 and 8 more transcripts); c.4926A>T, p.Thr1642= (NM_001407610.1, NM_001407611.1, NM_001407612.1 and 17 more transcripts); c.4923A>T, p.Thr1641= (NM_001407627.1, NM_001407628.1, NM_001407629.1 and 14 more transcripts); c.4920A>T, p.Thr1640= (NM_001407644.1, NM_001407645.1); and 71 more.
Identifiers: ClinVar variation 865696 (VCV000865696.3), dbSNP rs786202022, ClinGen allele CA500231637.
Genomic context (GRCh38, chr17:43,070,985, plus strand): 5'-CACAAATTCTTCTGGGGTCAGGCCAGACACCACCATGGACATTCTTTTGTTGACCCTTTC[T>A]GTTGAAGCTGTCAATTCTGGCTTCTCCCTGCTCACACTTTCTTCCATTGCATTATACCCA-3'
Protein context (NP_009225.1, residues 1633-1653): SREKPELTAS[Thr1643=]ERVNKRMSMV

Conditions:
Breast-ovarian cancer, familial, susceptibility to, 1 (BROVCA1). Also called: BRCA1 Hereditary Breast and Ovarian Cancer; OVARIAN CANCER, SUSCEPTIBILITY TO. Identifiers: Orphanet 145, MedGen C2676676, MONDO:0011450, OMIM 604370. Disease mechanism: loss of function.

Submission:

Brotman Baty Institute, University of Washington
No classification provided (evidence only). Condition: Breast-ovarian cancer, familial 1. Review status: no classification provided. Collection method: in vitro. Allele origin: not applicable. Functional consequence: functionally_normal.
ClinVar note: "not provided" was previously submitted as the classification for the variant. However, the classification appeared to be based only on an observation of functional data so it was converted to no classification on 2025-07-30.